The following is an entry in ClinVar:

NM_001379659.1(ZNF142):c.789dup (p.Leu264fs)

Gene: ZNF142 (zinc finger protein 142; minus strand). Cytogenetic location: 2q35.
Variant type: Duplication.
Coding change: c.789dup on transcript NM_001379659.1 (MANE Select); coding-DNA position 789, one base duplicated (A; older notation c.789dupA).
Protein change: p.Leu264fs; shifts the reading frame from leucine 264.
Molecular consequence: frameshift variant. On other transcripts: intron variant (3).
Genome position (GRCh38, 1-based): chr2:218,651,792, T duplicated on the plus strand (A on the coding strand, the reverse complement: ZNF142 is on the minus strand); the first of 3 consecutive T bases (chr2:218,651,792-218,651,794); duplicating any one gives the same sequence. VCF-style (leftmost placement, unchanged base first): chr2-218651791-G-GT. GRCh37 (hg19) VCF-style: chr2-219516514-G-GT.
Other names: c.-303dup (NM_001366288.3, NM_001366289.3, NM_001366287.3); c.789dup, p.Leu264fs (NM_001366290.3, NM_001379660.1, NM_001379661.1); c.281-1266dup (NM_001379662.1, NM_001105537.4, NM_001366291.2); short protein forms L264fs.
Identifiers: ClinVar variation 4982949 (VCV004982949.1).

ClinVar aggregate classification (germline): Likely pathogenic (1 of 4 stars; one submission).

Conditions:
ZNF142-related disorder. Also called: ZNF142-related condition.

Submission:

PreventionGenetics, part of Exact Sciences
Classification: Likely pathogenic for ZNF142-related condition. Last evaluated: 2025-01-28. Review status: criteria provided, single submitter. Criteria: ACMG Guidelines, 2015. Collection method: clinical testing. Allele origin: germline.
Comment: The ZNF142 c.789dupA variant is predicted to result in a frameshift and premature protein termination (p.Leu264Thrfs*56). To our knowledge, this variant has not been reported in the literature or in a large population database (gnomAD), indicating this variant is rare. Frameshift variants in ZNF142 are expected to be pathogenic. This variant is interpreted as likely pathogenic.